The following is an entry in ClinVar:

ClinVar aggregate classification (germline): Uncertain significance (1 of 4 stars; one submission).

gnomAD v4.1: 1 of 1,566,710 alleles (0.000064%); highest among the groups gnomAD compares: Non-Finnish European, 0.000086%; no homozygotes.

Submission:

Ambry Genetics
Classification: Uncertain significance. Last evaluated: 2024-12-22. Review status: criteria provided, single submitter. Criteria: Ambry Variant Classification Scheme 2023. Collection method: clinical testing. Allele origin: germline.
Comment: The p.F1748L variant (also known as c.5242T>C), located in coding exon 22 of the WNK2 gene, results from a T to C substitution at nucleotide position 5242. The phenylalanine at codon 1748 is replaced by leucine, an amino acid with highly similar properties. This amino acid position is conserved. In addition, the in silico prediction for this alteration is inconclusive. Based on the available evidence, the clinical significance of this variant remains unclear.

NM_006648.4(WNK2):c.5242T>C (p.Phe1748Leu)

Gene: WNK2 (WNK lysine deficient protein kinase 2; plus strand). Cytogenetic location: 9q22.31.
Variant type: single nucleotide variant.
Coding change: c.5242T>C on transcript NM_006648.4 (MANE Select); coding-DNA position 5242, T replaced by C.
Protein change: p.Phe1748Leu; replaces phenylalanine 1748 with leucine.
Molecular consequence: missense variant.
Genome position (GRCh38, 1-based): chr9:93,292,707, T>C. VCF-style: chr9-93292707-T-C. GRCh37 (hg19) VCF-style: chr9-96054989-T-C.
Other names: c.5353T>C, p.Phe1785Leu (NM_001282394.3); short protein forms F1785L, F1748L.
Identifiers: ClinVar variation 3816609 (VCV003816609.1).